The following is an entry in ClinVar:

ClinVar aggregate classification (germline): Uncertain significance (1 of 4 stars; one submission).

Conditions:
Hypertrophic cardiomyopathy 10. Also called: CARDIOMYOPATHY, HYPERTROPHIC, MID-LEFT VENTRICULAR CHAMBER TYPE, 2; MYL2-Related Familial Hypertrophic Cardiomyopathy. Identifiers: MedGen C1834460, MONDO:0012112, OMIM 608758.

Submission:

Labcorp Genetics (formerly Invitae), Labcorp
Classification: Uncertain significance for Hypertrophic cardiomyopathy 10. Last evaluated: 2025-07-30. Review status: criteria provided, single submitter. Criteria: Invitae Variant Classification Sherloc (09022015). Collection method: clinical testing. Allele origin: germline.
Comment: This sequence change replaces isoleucine, which is neutral and non-polar, with threonine, which is neutral and polar, at codon 70 of the MYL2 protein (p.Ile70Thr). This variant is not present in population databases (gnomAD no frequency). This variant has not been reported in the literature in individuals affected with MYL2-related conditions. An algorithm developed to predict the effect of missense changes on protein structure and function (PolyPhen-2) suggests that this variant is likely to be tolerated. In summary, the available evidence is currently insufficient to determine the role of this variant in disease. Therefore, it has been classified as a Variant of Uncertain Significance.

NM_000432.4(MYL2):c.209T>C (p.Ile70Thr)

Gene: MYL2 (myosin light chain 2; minus strand). Cytogenetic location: 12q24.11.
Variant type: single nucleotide variant.
Coding change: c.209T>C on transcript NM_000432.4 (MANE Select); coding-DNA position 209, T replaced by C.
Protein change: p.Ile70Thr; replaces isoleucine 70 with threonine.
Molecular consequence: missense variant.
Genome position (GRCh38, 1-based): chr12:110,914,251, A>G on the plus strand (T>C on the coding strand, the complement: MYL2 is on the minus strand). VCF-style: chr12-110914251-A-G. GRCh37 (hg19) VCF-style: chr12-111352055-A-G.
Other names: c.167T>C, p.Ile56Thr (NM_001406745.1); c.152T>C, p.Ile51Thr (NM_001406916.1); short protein forms I51T, I56T, I70T.
Identifiers: ClinVar variation 4769782 (VCV004769782.1).